The following is an entry in ClinVar:

NM_002299.4(LCT):c.4040C>T (p.Thr1347Ile)

Gene: LCT (lactase; minus strand). Cytogenetic location: 2q21.3.
Variant type: single nucleotide variant.
Coding change: c.4040C>T on transcript NM_002299.4 (MANE Select); coding-DNA position 4040, C replaced by T.
Protein change: p.Thr1347Ile; replaces threonine 1347 with isoleucine.
Molecular consequence: missense variant.
Genome position (GRCh38, 1-based): chr2:135,807,261, G>A on the plus strand (C>T on the coding strand, the complement: LCT is on the minus strand). VCF-style: chr2-135807261-G-A. GRCh37 (hg19) VCF-style: chr2-136564831-G-A.
Other names: short protein forms T1347I.
Identifiers: ClinVar variation 2048522 (VCV002048522.4), dbSNP rs2467213028, ClinGen allele CA348597623.

ClinVar aggregate classification (germline): Uncertain significance (1 of 4 stars; one submission).

gnomAD v4.1: 3 of 1,614,198 alleles (0.00019%); highest among the groups gnomAD compares: Non-Finnish European, 0.00025%; no homozygotes.

Submission:

Labcorp Genetics (formerly Invitae), Labcorp
Classification: Uncertain significance. Last evaluated: 2021-12-19. Review status: criteria provided, single submitter. Criteria: Invitae Variant Classification Sherloc (09022015). Collection method: clinical testing. Allele origin: germline.
Comment: Algorithms developed to predict the effect of missense changes on protein structure and function are either unavailable or do not agree on the potential impact of this missense change (SIFT: "Not Available"; PolyPhen-2: "Possibly Damaging"; Align-GVGD: "Not Available"). In summary, the available evidence is currently insufficient to determine the role of this variant in disease. Therefore, it has been classified as a Variant of Uncertain Significance. This sequence change replaces threonine, which is neutral and polar, with isoleucine, which is neutral and non-polar, at codon 1347 of the LCT protein (p.Thr1347Ile). This variant is not present in population databases (gnomAD no frequency). This variant has not been reported in the literature in individuals affected with LCT-related conditions.